The following is an entry in ClinVar:

ClinVar aggregate classification (germline): Uncertain significance (1 of 4 stars; one submission).

Submission:

Labcorp Genetics (formerly Invitae), Labcorp
Classification: Uncertain significance. Last evaluated: 2023-09-18. Review status: criteria provided, single submitter. Criteria: Invitae Variant Classification Sherloc (09022015). Collection method: clinical testing. Allele origin: unknown.
Comment: In summary, the available evidence is currently insufficient to determine the role of this variant in disease. Therefore, it has been classified as a Variant of Uncertain Significance. Experimental studies and prediction algorithms are not available or were not evaluated, and the functional significance of this variant is currently unknown. This variant has not been reported in the literature in individuals affected with FGF12-related conditions. This variant results in a copy number gain of the genomic region encompassing exon(s) 5 of the FGF12 gene. This region includes the termination codon of the gene. This copy number gain extends beyond the assayed region for this gene and therefore may encompass additional genes. As the precise location of this event is unknown, it may be in tandem or it may be located elsewhere in the genome.

NC_000003.11:g.(?_191861798)_(191861936_?)dup

Gene: FGF12 (fibroblast growth factor 12; minus strand). Cytogenetic location: 3q28.
Variant type: Duplication.
Identifiers: ClinVar variation 3247036 (VCV003247036.1).